The following is an entry in ClinVar:

NM_000553.6(WRN):c.2143G>A (p.Val715Ile)

Gene: WRN (WRN RecQ like helicase; plus strand). Cytogenetic location: 8p12.
Variant type: single nucleotide variant.
Coding change: c.2143G>A on transcript NM_000553.6 (MANE Select); coding-DNA position 2143, G replaced by A.
Protein change: p.Val715Ile; replaces valine 715 with isoleucine.
Molecular consequence: missense variant.
Genome position (GRCh38, 1-based): chr8:31,111,669, G>A. VCF-style: chr8-31111669-G-A. GRCh37 (hg19) VCF-style: chr8-30969185-G-A.
Other names: short protein forms V715I.
Identifiers: ClinVar variation 2148345 (VCV002148345.4), dbSNP rs2535968780, ClinGen allele CA370912546.

ClinVar aggregate classification (germline): Uncertain significance (1 of 4 stars; one submission).

Conditions:
Werner syndrome (WRN). Identifiers: Orphanet 902, MedGen C0043119, MONDO:0010196, OMIM 277700.

Submission:

Labcorp Genetics (formerly Invitae), Labcorp
Classification: Uncertain significance for Werner syndrome. Last evaluated: 2022-07-16. Review status: criteria provided, single submitter. Criteria: Invitae Variant Classification Sherloc (09022015). Collection method: clinical testing. Allele origin: germline.
Comment: In summary, the available evidence is currently insufficient to determine the role of this variant in disease. Therefore, it has been classified as a Variant of Uncertain Significance. Algorithms developed to predict the effect of missense changes on protein structure and function output the following: SIFT: "Not Available"; PolyPhen-2: "Benign"; Align-GVGD: "Not Available". The isoleucine amino acid residue is found in multiple mammalian species, which suggests that this missense change does not adversely affect protein function. This variant has not been reported in the literature in individuals affected with WRN-related conditions. This variant is not present in population databases (gnomAD no frequency). This sequence change replaces valine, which is neutral and non-polar, with isoleucine, which is neutral and non-polar, at codon 715 of the WRN protein (p.Val715Ile).